The following is an entry in ClinVar:

ClinVar aggregate classification (germline): Pathogenic (1 of 4 stars; one submission).

Conditions:
Autosomal recessive nonsyndromic hearing loss 7. Also called: DEAFNESS, AUTOSOMAL RECESSIVE 11. Identifiers: Orphanet 90636, MedGen C1832978, MONDO:0010967, OMIM 600974.

Submission:

Institute of Rare Diseases, West China Hospital, Sichuan University
Classification: Pathogenic for Autosomal recessive nonsyndromic hearing loss 7. Last evaluated: 2025-01-09. Review status: criteria provided, single submitter. Criteria: ClinGen HL ACMG Specifications v1. Collection method: research. Allele origin: germline. Affected: yes.
Comment: PVS1;PM3;PP1;PM2_Supporting

NM_138691.3(TMC1):c.1695T>G (p.Tyr565Ter)

Gene: TMC1 (transmembrane channel like 1; plus strand). Cytogenetic location: 9q21.13.
Variant type: single nucleotide variant.
Coding change: c.1695T>G on transcript NM_138691.3 (MANE Select); coding-DNA position 1695, T replaced by G.
Protein change: p.Tyr565Ter; replaces tyrosine 565 with a stop codon.
Molecular consequence: nonsense.
Genome position (GRCh38, 1-based): chr9:72,805,510, T>G. VCF-style: chr9-72805510-T-G. GRCh37 (hg19) VCF-style: chr9-75420426-T-G.
Other names: short protein forms Y565*.
Identifiers: ClinVar variation 3601896 (VCV003601896.1).